The following is an entry in ClinVar:

ClinVar aggregate classification (germline): Uncertain significance. Review status: criteria provided, multiple submitters, no conflicts (2 of 4 stars). 2 submissions from 2 submitters: Uncertain significance (2). Last evaluated 2022-08-16.

gnomAD v4.1: 18 of 1,613,736 alleles (0.0011%); highest among the groups gnomAD compares: Middle Eastern, 0.033%; 1 homozygote.

Submissions (2):

Labcorp Genetics (formerly Invitae), Labcorp
Classification: Uncertain significance. Last evaluated: 2022-08-16. Review status: criteria provided, single submitter. Criteria: Invitae Variant Classification Sherloc (09022015). Collection method: clinical testing. Allele origin: germline.
Comment: This sequence change replaces threonine, which is neutral and polar, with serine, which is neutral and polar, at codon 215 of the LRAT protein (p.Thr215Ser). This variant is present in population databases (rs754566272, gnomAD 0.02%), including at least one homozygous and/or hemizygous individual. This variant has not been reported in the literature in individuals affected with LRAT-related conditions. ClinVar contains an entry for this variant (Variation ID: 1487577). Algorithms developed to predict the effect of missense changes on protein structure and function (SIFT, PolyPhen-2, Align-GVGD) all suggest that this variant is likely to be tolerated. Algorithms developed to predict the effect of sequence changes on RNA splicing suggest that this variant may create or strengthen a splice site. In summary, the available evidence is currently insufficient to determine the role of this variant in disease. Therefore, it has been classified as a Variant of Uncertain Significance.

Blueprint Genetics
Classification: Uncertain significance. Last evaluated: 2018-05-06. Review status: criteria provided, single submitter. Criteria: ACMG Guidelines, 2015. Collection method: clinical testing. Allele origin: germline.

NM_004744.5(LRAT):c.644C>G (p.Thr215Ser)

Gene: LRAT (lecithin retinol acyltransferase; plus strand). Cytogenetic location: 4q32.1.
Variant type: single nucleotide variant.
Coding change: c.644C>G on transcript NM_004744.5 (MANE Select); coding-DNA position 644, C replaced by G.
Protein change: p.Thr215Ser; replaces threonine 215 with serine.
Molecular consequence: missense variant.
Genome position (GRCh38, 1-based): chr4:154,749,087, C>G. VCF-style: chr4-154749087-C-G. GRCh37 (hg19) VCF-style: chr4-155670239-C-G.
Other names: c.644C>G, p.Thr215Ser (NM_001301645.2); short protein forms T215S.
Identifiers: ClinVar variation 1487577 (VCV001487577.6), dbSNP rs754566272, ClinGen allele CA3115922.